The following is an entry in ClinVar:

NM_000540.3(RYR1):c.14304G>T (p.Trp4768Cys)

Gene: RYR1 (ryanodine receptor 1; plus strand). Cytogenetic location: 19q13.2.
Variant type: single nucleotide variant.
Coding change: c.14304G>T on transcript NM_000540.3 (MANE Select); coding-DNA position 14304, G replaced by T.
Protein change: p.Trp4768Cys; replaces tryptophan 4768 with cysteine.
Molecular consequence: missense variant.
Genome position (GRCh38, 1-based): chr19:38,578,144, G>T. VCF-style: chr19-38578144-G-T. GRCh37 (hg19) VCF-style: chr19-39068784-G-T.
Other names: c.14289G>T, p.Trp4763Cys (NM_001042723.2); short protein forms W4768C, W4763C.
Identifiers: ClinVar variation 4715753 (VCV004715753.1).
Genomic context (GRCh38, chr19:38,578,144, plus strand): 5'-TGCAGGGGAGGTGACTGGAGTCTGACACTCAAGCATCTCTCCCCACCCCCGCCCCCACAG[G>T]CTCATGTCCATCGATGTCAAGTACCAGATCTGGAAGTTCGGGGTCATCTTCACAGACAAC-3'
Protein context (NP_000531.2, residues 4758-4778): KPNPPPGLLT[Trp4768Cys]LMSIDVKYQI

ClinVar aggregate classification (germline): Uncertain significance (1 of 4 stars; one submission).

Conditions:
RYR1-related disorder. Also called: RYR1-related condition; RYR1-related disorders. Identifiers: MedGen CN239331.

Submission:

Labcorp Genetics (formerly Invitae), Labcorp
Classification: Uncertain significance for RYR1-related disorder. Last evaluated: 2025-03-23. Review status: criteria provided, single submitter. Criteria: Invitae Variant Classification Sherloc (09022015). Collection method: clinical testing. Allele origin: germline.
Comment: This sequence change replaces tryptophan, which is neutral and slightly polar, with cysteine, which is neutral and slightly polar, at codon 4768 of the RYR1 protein (p.Trp4768Cys). This variant is not present in population databases (gnomAD no frequency). This variant has not been reported in the literature in individuals affected with RYR1-related conditions. Experimental studies and prediction algorithms are not available or were not evaluated, and the functional significance of this variant is currently unknown. In summary, the available evidence is currently insufficient to determine the role of this variant in disease. Therefore, it has been classified as a Variant of Uncertain Significance.